The following is an entry in ClinVar:

ClinVar aggregate classification (germline): Uncertain significance. Review status: criteria provided, multiple submitters, no conflicts (2 of 4 stars). 2 submissions from 2 submitters: Uncertain significance (2). Last evaluated 2024-08-20.

Conditions:
Inborn genetic diseases. Identifiers: MedGen C0950123, MeSH D030342.

Allele frequency attached by ClinVar (database versions not stated): gnomAD 0.00001; gnomAD exomes 0.00002; ExAC 0.00005.
gnomAD v4.1: 26 of 1,613,866 alleles (0.0016%); highest among the groups gnomAD compares: South Asian, 0.027%; no homozygotes.

Submissions (2):

Ambry Genetics
Classification: Uncertain significance for Inborn genetic diseases. Last evaluated: 2024-08-20. Review status: criteria provided, single submitter. Criteria: Ambry Variant Classification Scheme 2023. Collection method: clinical testing. Allele origin: germline.

Labcorp Genetics (formerly Invitae), Labcorp
Classification: Uncertain significance. Last evaluated: 2022-11-01. Review status: criteria provided, single submitter. Criteria: Invitae Variant Classification Sherloc (09022015). Collection method: clinical testing. Allele origin: germline.
Comment: In summary, the available evidence is currently insufficient to determine the role of this variant in disease. Therefore, it has been classified as a Variant of Uncertain Significance. Advanced modeling of protein sequence and biophysical properties (such as structural, functional, and spatial information, amino acid conservation, physicochemical variation, residue mobility, and thermodynamic stability) performed at Invitae indicates that this missense variant is not expected to disrupt ASPM protein function. This variant has not been reported in the literature in individuals affected with ASPM-related conditions. This variant is present in population databases (rs773318676, gnomAD 0.04%). This sequence change replaces arginine, which is basic and polar, with lysine, which is basic and polar, at codon 792 of the ASPM protein (p.Arg792Lys).

NM_018136.5(ASPM):c.2375G>A (p.Arg792Lys)

Gene: ASPM (assembly factor for spindle microtubules; minus strand). Cytogenetic location: 1q31.3.
Variant type: single nucleotide variant.
Coding change: c.2375G>A on transcript NM_018136.5 (MANE Select); coding-DNA position 2375, G replaced by A.
Protein change: p.Arg792Lys; replaces arginine 792 with lysine.
Molecular consequence: missense variant.
Genome position (GRCh38, 1-based): chr1:197,133,394, C>T on the plus strand (G>A on the coding strand, the complement: ASPM is on the minus strand). VCF-style: chr1-197133394-C-T. GRCh37 (hg19) VCF-style: chr1-197102524-C-T.
Other names: c.2375G>A, p.Arg792Lys (NM_001206846.2); c.2375G>A (NM_018136.4); short protein forms R792K.
Identifiers: ClinVar variation 2184402 (VCV002184402.5), dbSNP rs773318676, ClinGen allele CA1310488.